The following is an entry in ClinVar:

ClinVar aggregate classification (germline): Likely benign. Review status: criteria provided, multiple submitters, no conflicts (2 of 4 stars). 2 submissions from 2 submitters: Likely benign (2). Last evaluated 2024-05-01.

Conditions:
Pierpont syndrome (PRPTS). Identifiers: Orphanet 487825, MedGen C1865644, MONDO:0011213, OMIM 602342.

Allele frequency attached by ClinVar (database versions not stated): gnomAD exomes 0.00001; ExAC 0.00002; TOPMed 0.00002.
gnomAD v4.1: 10 of 1,613,766 alleles (0.00062%); highest among the groups gnomAD compares: East Asian, 0.022%; no homozygotes.

Submissions (2):

CeGaT Center for Human Genetics Tuebingen
Classification: Likely benign. Last evaluated: 2024-05-01. Review status: criteria provided, single submitter. Criteria: CeGaT Center For Human Genetics Tuebingen Variant Classification Criteria Version 2. Collection method: clinical testing. Allele origin: germline. Affected: yes. Observed: 1 variant allele.
Comment: TBL1XR1: BP4, BP7

Labcorp Genetics (formerly Invitae), Labcorp
Classification: Likely benign for Pierpont syndrome. Last evaluated: 2022-09-01. Review status: criteria provided, single submitter. Criteria: Invitae Variant Classification Sherloc (09022015). Collection method: clinical testing. Allele origin: germline.

NM_024665.7(TBL1XR1):c.351A>T (p.Ala117=)

Gene: TBL1XR1 (TBL1X/Y related 1; minus strand). Cytogenetic location: 3q26.32.
Variant type: single nucleotide variant.
Coding change: c.351A>T on transcript NM_024665.7 (MANE Select); coding-DNA position 351, A replaced by T.
Protein change: p.Ala117=; no amino-acid change (alanine 117 retained).
Molecular consequence: synonymous variant.
Genome position (GRCh38, 1-based): chr3:177,051,580, T>A on the plus strand (A>T on the coding strand, the complement: TBL1XR1 is on the minus strand). VCF-style: chr3-177051580-T-A. GRCh37 (hg19) VCF-style: chr3-176769368-T-A.
Other names: c.351A>T, p.Ala117= (NM_001321193.3, NM_001321194.3, NM_001374327.1 and 2 more transcripts); c.90A>T, p.Ala30= (NM_001321195.3, NM_001374330.1).
Identifiers: ClinVar variation 2159305 (VCV002159305.23), dbSNP rs758279209, ClinGen allele CA2709999.